The following is an entry in ClinVar:

ClinVar aggregate classification (germline): Conflicting classifications of pathogenicity. Review status: criteria provided, conflicting classifications (1 of 4 stars). 2 submissions from 2 submitters: Pathogenic (1); Uncertain significance (1). Last evaluated 2025-12-15.

Conditions:
KIAA0586-related disorder. Also called: KIAA0586- Related disorders; KIAA0586-related condition.
Short-rib thoracic dysplasia 14 with polydactyly (SRTD14). Identifiers: Orphanet 397715, MedGen C4225286, MONDO:0014688, OMIM 616546.
Joubert syndrome 23 (JBTS23). Identifiers: Orphanet 475, MedGen C4084822, MONDO:0014664, OMIM 616490.

Allele frequency attached by ClinVar (database versions not stated): gnomAD 0.00001; TOPMed 0.00003; gnomAD exomes 0.00010 and 0.00019.
gnomAD v4.1: 30 of 455,888 alleles (0.0066%); highest among the groups gnomAD compares: Admixed American, 0.071%; no homozygotes.

Submissions (2):

PreventionGenetics, part of Exact Sciences
Classification: Uncertain significance for KIAA0586-related condition. Last evaluated: 2025-12-15. Review status: criteria provided, single submitter. Criteria: ACMG Guidelines, 2015. Collection method: clinical testing. Allele origin: germline.
Comment: The KIAA0586 c.4693A>T variant is predicted to result in premature protein termination (p.Lys1565*). To our knowledge, this variant has not been reported in the literature. This variant is reported in 0.099% of alleles in individuals of Latino descent in gnomAD. Although loss-of-function variants in KIAA0586 are expected to be pathogenic, this variant occurs in the penultimate exon and is predicted to potentially escape nonsense mediated decay. Additionally, to our knowledge, other loss-of-function variants have not been reported downstream of this variant. At this time, the clinical significance of this variant is uncertain due to the absence of conclusive functional and genetic evidence.

Labcorp Genetics (formerly Invitae), Labcorp
Classification: Pathogenic for Joubert syndrome 23; Short-rib thoracic dysplasia 14 with polydactyly. Last evaluated: 2025-11-25. Review status: criteria provided, single submitter. Criteria: Invitae Variant Classification Sherloc (09022015). Collection method: clinical testing. Allele origin: germline.
Comment: This sequence change creates a premature translational stop signal (p.Lys1565*) in the KIAA0586 gene. It is expected to result in an absent or disrupted protein product. Loss-of-function variants in KIAA0586 are known to be pathogenic (PMID: 26096313, 26166481, 26386044). This variant is present in population databases (no rsID available, gnomAD 0.1%). This variant has not been reported in the literature in individuals affected with KIAA0586-related conditions. ClinVar contains an entry for this variant (Variation ID: 1453816). For these reasons, this variant has been classified as Pathogenic.

Literature cited by the submitters: PubMed 26096313 (cited by Labcorp Genetics (formerly Invitae), Labcorp); PubMed 26166481 (cited by Labcorp Genetics (formerly Invitae), Labcorp); PubMed 26386044 (cited by Labcorp Genetics (formerly Invitae), Labcorp).

NM_001329943.3(KIAA0586):c.4495+3785A>T

Gene: KIAA0586 (KIAA0586; plus strand). Cytogenetic location: 14q23.1.
Variant type: single nucleotide variant.
Coding change: c.4495+3785A>T on transcript NM_001329943.3 (MANE Select); 3785 bases into the intron after coding-DNA position 4495, A replaced by T.
Molecular consequence: intron variant. On other transcripts: nonsense (2).
Genome position (GRCh38, 1-based): chr14:58,543,921, A>T. VCF-style: chr14-58543921-A-T. GRCh37 (hg19) VCF-style: chr14-59010639-A-T.
Other names: c.4693A>T, p.Lys1565Ter (NM_001244189.2); c.4534A>T, p.Lys1512Ter (NM_001329944.2); c.4450+3785A>T (NM_001244190.2); c.4363+3785A>T (NM_001244192.2, NM_001329947.2); c.4240+3785A>T (NM_001244191.2, NM_001364701.2); c.4430-3860A>T (NM_001329946.2); c.4267+3785A>T (NM_014749.5); c.4175-3860A>T (NM_001329945.2); and 1 more; short protein forms K1512*, K1565*.
Identifiers: ClinVar variation 1453816 (VCV001453816.7), dbSNP rs942756021, ClinGen allele CA262037732.